The following is an entry in ClinVar:

ClinVar aggregate classification (germline): Uncertain significance (1 of 4 stars; one submission).

Allele frequency attached by ClinVar (database versions not stated): gnomAD 0.00001; gnomAD exomes 0.00002; TOPMed 0.00002; ExAC 0.00007.
gnomAD v4.1: 32 of 1,605,410 alleles (0.002%); highest among the groups gnomAD compares: South Asian, 0.0066%; no homozygotes.

Submission:

Labcorp Genetics (formerly Invitae), Labcorp
Classification: Uncertain significance. Last evaluated: 2022-07-30. Review status: criteria provided, single submitter. Criteria: Invitae Variant Classification Sherloc (09022015). Collection method: clinical testing. Allele origin: germline.
Comment: In summary, the available evidence is currently insufficient to determine the role of this variant in disease. Therefore, it has been classified as a Variant of Uncertain Significance. This sequence change replaces proline, which is neutral and non-polar, with leucine, which is neutral and non-polar, at codon 469 of the HACE1 protein (p.Pro469Leu). This variant is present in population databases (rs761336527, gnomAD 0.01%). This variant has not been reported in the literature in individuals affected with HACE1-related conditions. Algorithms developed to predict the effect of missense changes on protein structure and function are either unavailable or do not agree on the potential impact of this missense change (SIFT: "Deleterious"; PolyPhen-2: "Benign"; Align-GVGD: "Class C0").

NM_020771.4(HACE1):c.1406C>T (p.Pro469Leu)

Gene: HACE1 (HECT domain and ankyrin repeat containing E3 ubiquitin protein ligase 1; minus strand). Cytogenetic location: 6q16.3.
Variant type: single nucleotide variant.
Coding change: c.1406C>T on transcript NM_020771.4 (MANE Select); coding-DNA position 1406, C replaced by T.
Protein change: p.Pro469Leu; replaces proline 469 with leucine.
Molecular consequence: missense variant. On other transcripts: non-coding transcript variant (7).
Genome position (GRCh38, 1-based): chr6:104,784,988, G>A on the plus strand (C>T on the coding strand, the complement: HACE1 is on the minus strand). VCF-style: chr6-104784988-G-A. GRCh37 (hg19) VCF-style: chr6-105232863-G-A.
Other names: c.1274C>T, p.Pro425Leu (NM_001321080.2); c.1304C>T, p.Pro435Leu (NM_001321083.2); c.902C>T, p.Pro301Leu (NM_001321084.2, NM_001350557.2, NM_001350558.2); c.1172C>T, p.Pro391Leu (NM_001350554.2); c.1115C>T, p.Pro372Leu (NM_001350555.2); c.920C>T, p.Pro307Leu (NM_001350556.2); c.824C>T, p.Pro275Leu (NM_001350559.2); c.623C>T, p.Pro208Leu (NM_001350560.2); short protein forms P372L, P425L, P435L, P208L, P301L, P307L, P275L, P391L.
Identifiers: ClinVar variation 2175238 (VCV002175238.2), dbSNP rs761336527, ClinGen allele CA3940279.
Genomic context (GRCh38, chr6:104,784,988, plus strand): 5'-CACTGCTTTTCATCATCTATCAGAGAAAAAAAAAATAATAAGCCAAAACTTTCTTACCCC[G>A]GAGGCATCTGACAAGAACAGCACATGTAAAAAGCTTGAATGACAGCACTTAGCCGGTTAG-3'
Protein context (NP_065822.2, residues 459-479): FYMCCSCQMP[Pro469Leu]GMTSPRFIEF